The following is an entry in ClinVar:

NM_003086.4(SNAPC4):c.3474C>T (p.His1158=)

Gene: SNAPC4 (small nuclear RNA activating complex polypeptide 4; minus strand). Cytogenetic location: 9q34.3.
Variant type: single nucleotide variant.
Coding change: c.3474C>T on transcript NM_003086.4 (MANE Select); coding-DNA position 3474, C replaced by T.
Protein change: p.His1158=; no amino-acid change (histidine 1158 retained).
Molecular consequence: synonymous variant.
Genome position (GRCh38, 1-based): chr9:136,378,353, G>A on the plus strand (C>T on the coding strand, the complement: SNAPC4 is on the minus strand). VCF-style: chr9-136378353-G-A. GRCh37 (hg19) VCF-style: chr9-139272805-G-A.
Other names: c.3474C>T, p.His1158= (NM_001394201.1); c.3390C>T, p.His1130= (NM_001394202.1, NM_001394203.1).
Identifiers: ClinVar variation 2659733 (VCV002659733.24), dbSNP rs140262570, ClinGen allele CA5333637.

ClinVar aggregate classification (germline): Likely benign (1 of 4 stars; one submission).

Allele frequency attached by ClinVar (database versions not stated): 1000 Genomes Project 30x 0.00047; 1000 Genomes Project 0.00060; gnomAD 0.00118; TOPMed 0.00121; ExAC 0.00148; ESP Exome Variant Server 0.00231.
gnomAD v4.1: 2,297 of 1,609,842 alleles (0.14%); highest among the groups gnomAD compares: Non-Finnish European, 0.17%; 6 homozygotes.

Submission:

CeGaT Center for Human Genetics Tuebingen
Classification: Likely benign. Last evaluated: 2025-08-01. Review status: criteria provided, single submitter. Criteria: CeGaT Center For Human Genetics Tuebingen Variant Classification Criteria Version 2. Collection method: clinical testing. Allele origin: germline. Affected: yes. Observed: 2 variant alleles.
Comment: SNAPC4: BP4, BP7